The following is an entry in ClinVar:

ClinVar aggregate classification (germline): Benign (1 of 4 stars; one submission).

Conditions:
Peutz-Jeghers syndrome (PJS). Also called: POLYPOSIS, HAMARTOMATOUS INTESTINAL; POLYPS-AND-SPOTS SYNDROME; Peutz-Jeghers polyposis; Periorificial lentiginosis syndrome. Identifiers: Orphanet 2869, MedGen C0031269, MeSH D010580, MONDO:0008280, OMIM 175200.

Submission:

Myriad Genetics, Inc.
Classification: Benign for Peutz-Jeghers syndrome. Last evaluated: 2025-03-24. Review status: criteria provided, single submitter. Criteria: Myriad Autosomal Dominant, Autosomal Recessive and X-Linked Classification Criteria (2023). Collection method: clinical testing. Allele origin: unknown.
Comment: This variant is considered benign. This variant is a silent/synonymous amino acid change and it is not expected to impact splicing.

NM_000455.5(STK11):c.51G>C (p.Leu17=)

Gene: STK11 (serine/threonine kinase 11; plus strand). Cytogenetic location: 19p13.3.
Variant type: single nucleotide variant.
Coding change: c.51G>C on transcript NM_000455.5 (MANE Select); coding-DNA position 51, G replaced by C.
Protein change: p.Leu17=; no amino-acid change (leucine 17 retained).
Molecular consequence: synonymous variant. On other transcripts: non-coding transcript variant (1).
Genome position (GRCh38, 1-based): chr19:1,206,964, G>C. VCF-style: chr19-1206964-G-C. GRCh37 (hg19) VCF-style: chr19-1206963-G-C.
Other names: c.51G>C, p.Leu17= (NM_001407255.1).
Identifiers: ClinVar variation 3903487 (VCV003903487.1).